The following is an entry in ClinVar:

ClinVar aggregate classification (germline): Uncertain significance (1 of 4 stars; one submission).

Conditions:
Epilepsy, progressive myoclonic, 1B. Also called: PME. Identifiers: Orphanet 308, MedGen C2676254, MONDO:0012904, OMIM 612437.

Submission:

Labcorp Genetics (formerly Invitae), Labcorp
Classification: Uncertain significance for Epilepsy, progressive myoclonic, 1B. Last evaluated: 2021-08-03. Review status: criteria provided, single submitter. Criteria: Invitae Variant Classification Sherloc (09022015). Collection method: clinical testing. Allele origin: germline.
Comment: This sequence change replaces aspartic acid with glycine at codon 329 of the PRICKLE1 protein (p.Asp329Gly). The aspartic acid residue is moderately conserved and there is a moderate physicochemical difference between aspartic acid and glycine. This variant is not present in population databases (ExAC no frequency). This variant has not been reported in the literature in individuals affected with PRICKLE1-related conditions. Algorithms developed to predict the effect of missense changes on protein structure and function are either unavailable or do not agree on the potential impact of this missense change (SIFT: "Deleterious"; PolyPhen-2: "Benign"; Align-GVGD: "Class C0"). In summary, the available evidence is currently insufficient to determine the role of this variant in disease. Therefore, it has been classified as a Variant of Uncertain Significance.

NM_153026.3(PRICKLE1):c.986A>G (p.Asp329Gly)

Genes: PRICKLE1 (prickle planar cell polarity protein 1; minus strand), LOC126861509 (BRD4-independent group 4 enhancer GRCh37_chr12:42858567-42859766; plus strand). Cytogenetic location: 12q12.
Variant type: single nucleotide variant.
Coding change: c.986A>G on transcript NM_153026.3 (MANE Select); coding-DNA position 986, A replaced by G.
Protein change: p.Asp329Gly; replaces aspartic acid 329 with glycine.
Molecular consequence: missense variant.
Genome position (GRCh38, 1-based): chr12:42,465,048, T>C on the plus strand (A>G on the coding strand, the complement: PRICKLE1 is on the minus strand). VCF-style: chr12-42465048-T-C. GRCh37 (hg19) VCF-style: chr12-42858850-T-C.
Other names: c.986A>G, p.Asp329Gly (NM_001144881.2, NM_001144882.2, NM_001144883.2); short protein forms D329G.
Identifiers: ClinVar variation 1428491 (VCV001428491.3), dbSNP rs1046367995, ClinGen allele CA235491406.